The following is an entry in ClinVar:

ClinVar aggregate classification (germline): Uncertain significance (1 of 4 stars; one submission).

Conditions:
Oligodontia-cancer predisposition syndrome. Also called: TOOTH AGENESIS-COLORECTAL CANCER SYNDROME. Identifiers: Orphanet 300576, MedGen C1837750, MONDO:0012075, OMIM 608615. Disease mechanism: loss of function.

Submission:

Labcorp Genetics (formerly Invitae), Labcorp
Classification: Uncertain significance for Oligodontia-cancer predisposition syndrome. Last evaluated: 2019-11-18. Review status: criteria provided, single submitter. Criteria: Invitae Variant Classification Sherloc (09022015). Collection method: clinical testing. Allele origin: germline.
Comment: In summary, the available evidence is currently insufficient to determine the role of this variant in disease. Therefore, it has been classified as a Variant of Uncertain Significance. Algorithms developed to predict the effect of missense changes on protein structure and function (SIFT, PolyPhen-2, Align-GVGD) all suggest that this variant is likely to be tolerated, but these predictions have not been confirmed by published functional studies and their clinical significance is uncertain. This variant has not been reported in the literature in individuals with AXIN2-related conditions. This variant is not present in population databases (ExAC no frequency). This sequence change replaces arginine with leucine at codon 581 of the AXIN2 protein (p.Arg581Leu). The arginine residue is moderately conserved and there is a moderate physicochemical difference between arginine and leucine.

NM_004655.4(AXIN2):c.1742G>T (p.Arg581Leu)

Gene: AXIN2 (axin 2; minus strand). Cytogenetic location: 17q24.1.
Variant type: single nucleotide variant.
Coding change: c.1742G>T on transcript NM_004655.4 (MANE Select); coding-DNA position 1742, G replaced by T.
Protein change: p.Arg581Leu; replaces arginine 581 with leucine.
Molecular consequence: missense variant. On other transcripts: intron variant (1).
Genome position (GRCh38, 1-based): chr17:65,537,034, C>A on the plus strand (G>T on the coding strand, the complement: AXIN2 is on the minus strand). VCF-style: chr17-65537034-C-A. GRCh37 (hg19) VCF-style: chr17-63533152-C-A.
Other names: c.1712+290G>T (NM_001363813.1); short protein forms R581L.
Identifiers: ClinVar variation 838027 (VCV000838027.9), dbSNP rs730881399, ClinGen allele CA400676707.
Genomic context (GRCh38, chr17:65,537,034, plus strand): 5'-CCGGGGGCCCCTCCTTCCCTGGCGGGCAGGGCCAGGCCCGGCTCCGTGCCTTTCCCATTG[C>A]GTTTGGGCAAGGTACTGCCTCTGCTGCCGCTGTGGGGAACCAAGAACCACACCCAACCCA-3'
Protein context (NP_004646.3, residues 571-591): GGSRGSTLPK[Arg581Leu]NGKGTEPGLA